The following is an entry in ClinVar:

NM_000493.4(COL10A1):c.1745A>G (p.Tyr582Cys)

Genes: COL10A1 (collagen type X alpha 1 chain; minus strand), NT5DC1 (5'-nucleotidase domain containing 1; plus strand). Cytogenetic location: 6q22.1.
Variant type: single nucleotide variant.
Coding change: c.1745A>G on transcript NM_000493.4 (MANE Select); coding-DNA position 1745, A replaced by G.
Protein change: p.Tyr582Cys; replaces tyrosine 582 with cysteine.
Molecular consequence: missense variant. On other transcripts: intron variant (1).
Genome position (GRCh38, 1-based): chr6:116,120,371, T>C on the plus strand (A>G on the coding strand, the complement: COL10A1 is on the minus strand). VCF-style: chr6-116120371-T-C. GRCh37 (hg19) VCF-style: chr6-116441534-T-C.
Other names: c.529+2426T>C (NM_152729.3); c.1745A>G, p.Tyr582Cys (NM_001424106.1, NM_001424107.1); short protein forms Y582C.
Identifiers: ClinVar variation 2012332 (VCV002012332.4), dbSNP rs2534084793, ClinGen allele CA365387013.

ClinVar aggregate classification (germline): Uncertain significance (1 of 4 stars; one submission).

Submission:

Labcorp Genetics (formerly Invitae), Labcorp
Classification: Uncertain significance. Last evaluated: 2022-08-12. Review status: criteria provided, single submitter. Criteria: Invitae Variant Classification Sherloc (09022015). Collection method: clinical testing. Allele origin: germline.
Comment: In summary, the available evidence is currently insufficient to determine the role of this variant in disease. Therefore, it has been classified as a Variant of Uncertain Significance. This variant disrupts the p.Tyr582 amino acid residue in COL10A1. Other variant(s) that disrupt this residue have been observed in individuals with COL10A1-related conditions (PMID: 15024737; Invitae), which suggests that this may be a clinically significant amino acid residue. Algorithms developed to predict the effect of missense changes on protein structure and function are either unavailable or do not agree on the potential impact of this missense change (SIFT: "Deleterious"; PolyPhen-2: "Probably Damaging"; Align-GVGD: "Class C0"). This missense change has been observed in individual(s) with COL10A1-related conditions (Invitae). This variant is not present in population databases (gnomAD no frequency). This sequence change replaces tyrosine, which is neutral and polar, with cysteine, which is neutral and slightly polar, at codon 582 of the COL10A1 protein (p.Tyr582Cys).

Literature cited by the submitters: PubMed 15024737.